The following is an entry in ClinVar:

NM_001845.6(COL4A1):c.1591G>C (p.Gly531Arg)

Gene: COL4A1 (collagen type IV alpha 1 chain; minus strand). Cytogenetic location: 13q34.
Variant type: single nucleotide variant.
Coding change: c.1591G>C on transcript NM_001845.6 (MANE Select); coding-DNA position 1591, G replaced by C.
Protein change: p.Gly531Arg; replaces glycine 531 with arginine.
Molecular consequence: missense variant.
Genome position (GRCh38, 1-based): chr13:110,187,275, C>G on the plus strand (G>C on the coding strand, the complement: COL4A1 is on the minus strand). VCF-style: chr13-110187275-C-G. GRCh37 (hg19) VCF-style: chr13-110839622-C-G.
Other names: short protein forms G531R.
Identifiers: ClinVar variation 1806180 (VCV001806180.2), dbSNP rs2501800825, ClinGen allele CA388723132.
Genomic context (GRCh38, chr13:110,187,275, plus strand): 5'-GTCCTGGAAAGCCTGGGTCTCCTTTGTCACCTTTGAGCCGCAAGTCGAAATAAAACTCAC[C>G]AGGCTCCCCCTTGGCTCCTGGCTGGCCTATCAGCCCTGGTGTACCTTGAGGGCCCTGTAA-3'
Protein context (NP_001836.3, residues 521-541): IGQPGAKGEP[Gly531Arg]EFYFDLRLKG

ClinVar aggregate classification (germline): Likely pathogenic (1 of 4 stars; one submission).

Conditions:
Autosomal dominant familial hematuria-retinal arteriolar tortuosity-contractures syndrome. Also called: Hereditary Angiopathy with Nephropathy, Aneurysms, and Muscle Cramps (HANAC) Syndrome; Angiopathy, hereditary, with nephropathy, aneurysms, and muscle cramps. Identifiers: Orphanet 73229, MedGen C2673195, MONDO:0012726, OMIM 611773.

Allele frequency attached by ClinVar (database versions not stated): gnomAD exomes 0.00001.
gnomAD v4.1: 17 of 1,613,512 alleles (0.0011%); highest among the groups gnomAD compares: Non-Finnish European, 0.0014%; no homozygotes.

Submission:

Victorian Clinical Genetics Services, Murdoch Childrens Research Institute
Classification: Likely pathogenic for Autosomal dominant familial hematuria-retinal arteriolar tortuosity-contractures syndrome. Last evaluated: 2023-07-17. Review status: criteria provided, single submitter. Criteria: ACMG Guidelines, 2015. Collection method: clinical testing. Allele origin: germline. Inheritance: Autosomal dominant inheritance. Affected: yes.
Comment: Based on the classification scheme VCGS_Germline_v1.3.4, this variant is classified as Likely Pathogenic. Following criteria are met: 0103 - Loss of function is a known mechanism of disease in this gene and is associated with COL4A1-related disease. Glycine substitutions affecting the Gly-X-Y repeat motif are known to have a dominant-negative mechanism of disease in other collagen genes, but conclusive functional evidence of a dominant-negative mechanism in this gene is not available (PMID: 1867713, PMID: 23225343, PMID: 16159887). (I) 0107 - This gene is associated with autosomal dominant disease. Glycine substitutions in exons 24 and 25 of this gene are associated with angiopathy, hereditary, with nephropathy, aneurysms, and muscle cramps (MIM#611773) (PMID: 20301768). (I) 0112 - The condition associated with this gene has incomplete penetrance. Asymptomatic carriers of pathogenic variants have been reported in at least one family (PMID: 30413629). (I) 0200 - Variant is predicted to result in a missense amino acid change from glycine to arginine in exon 25 of this gene. (I) 0251 - This variant is heterozygous. (I) 0301 - Variant is absent from gnomAD (both v2 and v3). (SP) 0501 - Missense variant consistently predicted to be damaging by multiple in silico tools or highly conserved with a major amino acid change. (SP) 0601 - Variant is located in the well-established functional Gly-X-Y repeat motif. Glycine residues in the Gly-X-Y repeat motif are required for correct conformation of the collagen triple helix; substitution of these glycine residues are almost always pathogenic in collagen proteins, including this one (PMID: 1867713, PMID: 23225343). (SP) 0705 - No comparable missense variants have previous evidence for pathogenicity. (I) 0803 - This variant has limited previous evidence of pathogenicity in an individual. This variant has been previously reported as likely pathogenic and observed in a patient with kidney and liver cysts (VCGS). (SP) 0905 - No published segregation evidence has been identified for this variant. (I) 1007 - No published functional evidence has been identified for this variant. (I) 1208 - Inheritance information for this variant is not currently available in this individual. (I) Legend: (SP) - Supporting pathogenic, (I) - Information, (SB) - Supporting benign

Literature cited by the submitters: PubMed 1867713; PubMed 16159887; PubMed 20301768; PubMed 23225343; PubMed 30413629.